The following is an entry in ClinVar:

ClinVar aggregate classification (germline): Uncertain significance (1 of 4 stars; one submission).

Conditions:
Cardiovascular phenotype. Identifiers: MedGen CN230736.

gnomAD v4.1: 1 of 1,613,578 alleles (0.000062%); highest among the groups gnomAD compares: Non-Finnish European, 0.000085%; no homozygotes.

Submission:

Ambry Genetics
Classification: Uncertain significance for Cardiovascular phenotype. Last evaluated: 2024-06-30. Review status: criteria provided, single submitter. Criteria: Ambry Variant Classification Scheme 2023. Collection method: clinical testing. Allele origin: germline.
Comment: The p.A261E variant (also known as c.782C>A), located in coding exon 4 of the SNTA1 gene, results from a C to A substitution at nucleotide position 782. The alanine at codon 261 is replaced by glutamic acid, an amino acid with dissimilar properties. This amino acid position is conserved. In addition, this alteration is predicted to be tolerated by in silico analysis. Based on the available evidence, the clinical significance of this variant remains unclear.

NM_003098.3(SNTA1):c.782C>A (p.Ala261Glu)

Gene: SNTA1 (syntrophin alpha 1; minus strand). Cytogenetic location: 20q11.21.
Variant type: single nucleotide variant.
Coding change: c.782C>A on transcript NM_003098.3 (MANE Select); coding-DNA position 782, C replaced by A.
Protein change: p.Ala261Glu; replaces alanine 261 with glutamic acid.
Molecular consequence: missense variant.
Genome position (GRCh38, 1-based): chr20:33,412,702, G>T on the plus strand (C>A on the coding strand, the complement: SNTA1 is on the minus strand). VCF-style: chr20-33412702-G-T. GRCh37 (hg19) VCF-style: chr20-32000508-G-T.
Other names: c.782C>A, p.Ala261Glu (NM_001424413.1, NM_001424414.1); short protein forms A261E.
Identifiers: ClinVar variation 3446786 (VCV003446786.1).
Genomic context (GRCh38, chr20:33,412,702, plus strand): 5'-GCCTGCAGCTCATCCTTGACCCGCGGCGTCAGAGTATTGACCTGGGCTTGGATGGCAGTC[G>T]CCCACGACCTCGCACTAGCCTCATCCTTGGCCCTCAGGAAGAGGGTGTCTTGACCATCTG-3'
Protein context (NP_003089.1, residues 251-271): AKDEASARSW[Ala261Glu]TAIQAQVNTL